The following is an entry in ClinVar:

ClinVar aggregate classification (germline): Uncertain significance. Review status: criteria provided, multiple submitters, no conflicts (2 of 4 stars). 2 submissions from 2 submitters: Uncertain significance (2). Last evaluated 2025-05-25.

Conditions:
Inborn genetic diseases. Identifiers: MedGen C0950123, MeSH D030342.

Allele frequency attached by ClinVar (database versions not stated): gnomAD 0.00001.
gnomAD v4.1: 2 of 1,309,906 alleles (0.00015%); no homozygotes.

Submissions (2):

Ambry Genetics
Classification: Uncertain significance for Inborn genetic diseases. Last evaluated: 2025-05-25. Review status: criteria provided, single submitter. Criteria: Ambry Variant Classification Scheme 2023. Collection method: clinical testing. Allele origin: germline.

Labcorp Genetics (formerly Invitae), Labcorp
Classification: Uncertain significance. Last evaluated: 2021-09-21. Review status: criteria provided, single submitter. Criteria: Invitae Variant Classification Sherloc (09022015). Collection method: clinical testing. Allele origin: germline.
Comment: This sequence change replaces proline with arginine at codon 1484 of the DCHS1 protein (p.Pro1484Arg). The proline residue is highly conserved and there is a moderate physicochemical difference between proline and arginine. The frequency data for this variant in the population databases is considered unreliable, as metrics indicate insufficient coverage at this position in the ExAC database. This variant has not been reported in the literature in individuals affected with DCHS1-related conditions. Advanced modeling of protein sequence and biophysical properties (such as structural, functional, and spatial information, amino acid conservation, physicochemical variation, residue mobility, and thermodynamic stability) performed at Invitae indicates that this missense variant is not expected to disrupt DCHS1 protein function. In summary, the available evidence is currently insufficient to determine the role of this variant in disease. Therefore, it has been classified as a Variant of Uncertain Significance.

NM_003737.4(DCHS1):c.4451C>G (p.Pro1484Arg)

Gene: DCHS1 (dachsous cadherin-related 1; minus strand). Cytogenetic location: 11p15.4.
Variant type: single nucleotide variant.
Coding change: c.4451C>G on transcript NM_003737.4 (MANE Select); coding-DNA position 4451, C replaced by G.
Protein change: p.Pro1484Arg; replaces proline 1484 with arginine.
Molecular consequence: missense variant.
Genome position (GRCh38, 1-based): chr11:6,630,343, G>C on the plus strand (C>G on the coding strand, the complement: DCHS1 is on the minus strand). VCF-style: chr11-6630343-G-C. GRCh37 (hg19) VCF-style: chr11-6651574-G-C.
Other names: c.4451C>G (NM_003737.2); short protein forms P1484R.
Identifiers: ClinVar variation 1382640 (VCV001382640.7), dbSNP rs1855881001, ClinGen allele CA379404920.